The following is an entry in ClinVar:

ClinVar aggregate classification (germline): Likely benign (1 of 4 stars; one submission).

Submission:

CeGaT Center for Human Genetics Tuebingen
Classification: Likely benign. Last evaluated: 2026-06-01. Review status: criteria provided, single submitter. Criteria: CeGaT Center For Human Genetics Tuebingen Variant Classification Criteria Version 2. Collection method: clinical testing. Allele origin: germline. Affected: yes. Observed: 2 variant alleles.
Comment: PCDHA4: BP4, BP7

NM_018907.4(PCDHA4):c.384T>C (p.Asp128=)

Genes: PCDHA1 (protocadherin alpha 1; plus strand), PCDHA2 (protocadherin alpha 2; plus strand), PCDHA3 (protocadherin alpha 3; plus strand), PCDHA4 (protocadherin alpha 4; plus strand), PCDHA@ (protocadherin alpha cluster, complex locus; plus strand). Cytogenetic location: 5q31.3.
Variant type: single nucleotide variant.
Coding change: c.384T>C on transcript NM_018907.4 (MANE Select); coding-DNA position 384, T replaced by C.
Protein change: p.Asp128=; no amino-acid change (aspartic acid 128 retained).
Molecular consequence: synonymous variant. On other transcripts: intron variant (4).
Genome position (GRCh38, 1-based): chr5:140,807,571, T>C. VCF-style: chr5-140807571-T-C. GRCh37 (hg19) VCF-style: chr5-140187156-T-C.
Other names: c.384T>C, p.Asp128= (NM_031500.3); c.2394+18887T>C (NM_018900.4); c.1602+19679T>C (NM_031411.3); c.2388+10219T>C (NM_018905.3); c.2394+3980T>C (NM_018906.3).
Identifiers: ClinVar variation 4084377 (VCV004084377.8).